The following is an entry in ClinVar:

ClinVar aggregate classification (germline): Conflicting classifications of pathogenicity. Review status: criteria provided, conflicting classifications (1 of 4 stars). 5 submissions from 5 submitters: Uncertain significance (3); Likely benign (1). 1 of the submissions does not count toward it. Last evaluated 2026-08-01.

Conditions:
COL6A2-related disorder.
Bethlem myopathy 1A. Also called: Bethlem Muscular Dystrophy; MYOPATHY, BENIGN CONGENITAL, WITH CONTRACTURES; Bethlem myopathy 1. Identifiers: Orphanet 610, MedGen CN029274, MONDO:0024530, OMIM 158810.

Allele frequency attached by ClinVar (database versions not stated): TOPMed 0.00008; gnomAD exomes 0.00010; ExAC 0.00012; gnomAD 0.00012 and 0.00013.
gnomAD v4.1: 137 of 1,602,804 alleles (0.0085%); highest among the groups gnomAD compares: Admixed American, 0.032%; no homozygotes.

Submissions (5):

CeGaT Center for Human Genetics Tuebingen
Classification: Uncertain significance. Last evaluated: 2026-08-01. Review status: criteria provided, single submitter. Criteria: CeGaT Center For Human Genetics Tuebingen Variant Classification Criteria Version 2. Collection method: clinical testing. Allele origin: germline. Affected: yes. Observed: 1 variant allele.
Comment: COL6A2: PM2, PM3

Labcorp Genetics (formerly Invitae), Labcorp
Classification: Likely benign for Bethlem myopathy 1A. Last evaluated: 2025-09-15. Review status: criteria provided, single submitter. Criteria: Invitae Variant Classification Sherloc (09022015). Collection method: clinical testing. Allele origin: germline.

Mayo Clinic Laboratories, Mayo Clinic
Classification: Uncertain significance. Last evaluated: 2025-08-13. Review status: criteria provided, single submitter. Criteria: ACMG Guidelines, 2015. Collection method: clinical testing. Allele origin: germline. Observed: 2 variant alleles.
Comment: PM2_supporting, PM3

Revvity Omics, Revvity
Classification: Uncertain significance. Last evaluated: 2024-06-05. Review status: criteria provided, single submitter. Criteria: ACMG Guidelines, 2015. Collection method: clinical testing. Allele origin: germline.

PreventionGenetics, part of Exact Sciences
Classification: Uncertain significance for COL6A2-related condition. Last evaluated: 2024-03-19. Review status: no assertion criteria provided. Collection method: clinical testing. Allele origin: germline. Not counted in ClinVar's aggregate classification.
Comment: The COL6A2 c.2584C>T variant is predicted to result in the amino acid substitution p.Arg862Trp. This variant was reported in the homozygous state in a patient with Bethlem myopathy (Elmas. 2018. PubMed ID: 30426380) and in the heterozygous state along with a truncating variant with unknown phase in a patient with Ullrich congenital muscular dystrophy (Inoue. 2021. PubMed ID: 34167565). This variant is reported in 0.023% of alleles in individuals of Latino descent in gnomAD. Although we suspect that this variant may be pathogenic, at this time, the clinical significance of this variant is uncertain due to the absence of conclusive functional and genetic evidence.

Literature cited by the submitters: PubMed 30426380 (cited by Mayo Clinic Laboratories, Mayo Clinic); PubMed 34167565 (cited by Mayo Clinic Laboratories, Mayo Clinic); PubMed 35769956 (cited by Mayo Clinic Laboratories, Mayo Clinic); PubMed 37023487 (cited by Mayo Clinic Laboratories, Mayo Clinic); PubMed 39596604 (cited by Mayo Clinic Laboratories, Mayo Clinic).

NM_001849.4(COL6A2):c.2584C>T (p.Arg862Trp)

Gene: COL6A2 (collagen type VI alpha 2 chain; plus strand). Cytogenetic location: 21q22.3.
Variant type: single nucleotide variant.
Coding change: c.2584C>T on transcript NM_001849.4 (MANE Select); coding-DNA position 2584, C replaced by T.
Protein change: p.Arg862Trp; replaces arginine 862 with tryptophan.
Molecular consequence: missense variant.
Genome position (GRCh38, 1-based): chr21:46,132,076, C>T. VCF-style: chr21-46132076-C-T. GRCh37 (hg19) VCF-style: chr21-47551990-C-T.
Other names: p.Arg862Trp; short protein forms R862W.
Identifiers: ClinVar variation 542994 (VCV000542994.14), dbSNP rs777822883, ClinGen allele CA10072936.